The following is an entry in ClinVar:

NM_138694.4(PKHD1):c.2216C>T (p.Pro739Leu)

Gene: PKHD1 (PKHD1 ciliary IPT domain containing fibrocystin/polyductin; minus strand). Cytogenetic location: 6p12.2.
Variant type: single nucleotide variant.
Coding change: c.2216C>T on transcript NM_138694.4 (MANE Select); coding-DNA position 2216, C replaced by T.
Protein change: p.Pro739Leu; replaces proline 739 with leucine.
Molecular consequence: missense variant.
Genome position (GRCh38, 1-based): chr6:52,050,220, G>A on the plus strand (C>T on the coding strand, the complement: PKHD1 is on the minus strand). VCF-style: chr6-52050220-G-A. GRCh37 (hg19) VCF-style: chr6-51915018-G-A.
Other names: c.2216C>T, p.Pro739Leu (NM_170724.3); c.2216C>T (NM_170724.2); short protein forms P739L.
Identifiers: ClinVar variation 549965 (VCV000549965.24), dbSNP rs758352210, ClinGen allele CA3853303.

ClinVar aggregate classification (germline): Pathogenic/Likely pathogenic. Review status: criteria provided, multiple submitters, no conflicts (2 of 4 stars). 12 submissions from 12 submitters: Pathogenic (2); Likely pathogenic (9). 1 of the submissions does not count toward it. Last evaluated 2026-01-23.

Conditions:
Polycystic kidney disease 4 (PKD4). Also called: Autosomal Recessive Polycystic Kidney Disease – PKHD1; POLYCYSTIC KIDNEY DISEASE 4 WITH OR WITHOUT POLYCYSTIC LIVER DISEASE; PKD3; POLYCYSTIC KIDNEY AND HEPATIC DISEASE 1; POLYCYSTIC KIDNEY DISEASE, INFANTILE, TYPE I. Identifiers: MedGen C4540575, MONDO:0033004, OMIM 263200.
Autosomal recessive polycystic kidney disease (ARPKD). Also called: AR polycystic kidney disease. Identifiers: Orphanet 731, Orphanet 8378, MedGen C0085548, MeSH D017044, MONDO:0009889.

Allele frequency attached by ClinVar (database versions not stated): gnomAD 0.00004 and 0.00003; TOPMed 0.00003.
gnomAD v4.1: 30 of 1,614,024 alleles (0.0019%); highest among the groups gnomAD compares: African/African-American, 0.004%; no homozygotes.

Submissions (12):

Otogenetics
Classification: Likely pathogenic for Autosomal recessive polycystic kidney disease. Last evaluated: 2026-01-23. Review status: criteria provided, single submitter. Criteria: ACMG Guidelines, 2015. Collection method: clinical testing. Allele origin: germline.
Comment: PM2: Maximum gnomAD MAF of 0.004% in African (AFR) subpopulation (<0.251% threshold); PM3_Strong: Variant reported in trans (phase confirmed by parental testing) with three pathogenic variants in three individuals affected with early onset polycystic kidney disease (PMID: 12846734, 24162162, 33532864)

Natera, Inc.
Classification: Likely pathogenic for Autosomal recessive polycystic kidney disease. Last evaluated: 2025-12-15. Review status: criteria provided, single submitter. Criteria: Natera Variant Classification Schema (03/2026). Collection method: clinical testing. Allele origin: germline.
Comment: The c.2216C>T variant in PKHD1 is a missense variant predicted to cause substitution of proline to leucine at amino acid 739. This variant is rare in the general population with a frequency below the threshold expected for the associated phenotype(s). This variant has been observed in one or more individuals affected with the associated recessive disease, as either homozygous or compound heterozygous with a second variant (PMID: 33532864, 12846734, 24162162). This variant has been identified in one or more affected individuals with a phenotype highly consistent with the associated gene (PMID: 33532864). Computational prediction algorithms indicate this variant is likely to affect gene or protein function. Given the available evidence, this variant is classified as Likely Pathogenic.

GeneDx
Classification: Likely pathogenic. Last evaluated: 2025-03-04. Review status: criteria provided, single submitter. Criteria: GeneDx Variant Classification Process June 2021. Collection method: clinical testing. Allele origin: germline. Affected: yes.
Comment: Not observed at significant frequency in large population cohorts (gnomAD); In silico analysis supports that this missense variant has a deleterious effect on protein structure/function; This variant is associated with the following publications: (PMID: 33532864, 30275481, 32939031, 12846734, 24162162, 33940108)

Myriad Genetics, Inc.
Classification: Likely pathogenic for Polycystic kidney disease 4. Last evaluated: 2025-02-27. Review status: criteria provided, single submitter. Criteria: Myriad Autosomal Dominant, Autosomal Recessive and X-Linked Classification Criteria (2023). Collection method: clinical testing. Allele origin: unknown.
Comment: NM_138694.3(PKHD1):c.2216C>T(P739L) is a missense variant classified as likely pathogenic in the context of autosomal recessive polycystic kidney disease, PKHD1-related. P739L has been observed in cases with relevant disease (PMID: 12846734, 24162162, 33532864, 32939031, 39891531). Relevant functional assessments of this variant are not available in the literature. P739L has been observed in referenced population frequency databases. In summary, NM_138694.3(PKHD1):c.2216C>T(P739L) is a missense variant that has been observed more frequently in cases with the relevant disease than in healthy populations. Please note: this variant was assessed in the context of healthy population screening.

Fulgent Genetics
Classification: Likely pathogenic for Polycystic kidney disease 4. Last evaluated: 2024-01-23. Review status: criteria provided, single submitter. Criteria: ACMG Guidelines, 2015. Collection method: clinical testing. Allele origin: germline.

Labcorp Genetics (formerly Invitae), Labcorp
Classification: Pathogenic for Autosomal recessive polycystic kidney disease. Last evaluated: 2023-11-21. Review status: criteria provided, single submitter. Criteria: Invitae Variant Classification Sherloc (09022015). Collection method: clinical testing. Allele origin: germline.
Comment: This sequence change replaces proline, which is neutral and non-polar, with leucine, which is neutral and non-polar, at codon 739 of the PKHD1 protein (p.Pro739Leu). This variant is present in population databases (rs758352210, gnomAD 0.005%). This missense change has been observed in individual(s) with autosomal recessive polycystic kidney disease and/or clinical features of PKHD1-related conditions (PMID: 12846734, 24162162, 32939031, 33532864). In at least one individual the data is consistent with being in trans (on the opposite chromosome) from a pathogenic variant. ClinVar contains an entry for this variant (Variation ID: 549965). Advanced modeling of protein sequence and biophysical properties (such as structural, functional, and spatial information, amino acid conservation, physicochemical variation, residue mobility, and thermodynamic stability) has been performed at Invitae for this missense variant, however the output from this modeling did not meet the statistical confidence thresholds required to predict the impact of this variant on PKHD1 protein function. For these reasons, this variant has been classified as Pathogenic.

Women's Health and Genetics/Laboratory Corporation of America, LabCorp
Classification: Likely pathogenic for Autosomal recessive polycystic kidney disease. Last evaluated: 2022-05-31. Review status: criteria provided, single submitter. Criteria: LabCorp Variant Classification Summary - May 2015. Collection method: clinical testing. Allele origin: germline.
Comment: Variant summary: PKHD1 c.2216C>T (p.Pro739Leu) results in a non-conservative amino acid change in the encoded protein sequence. Three of five in-silico tools predict a damaging effect of the variant on protein function. The variant allele was found at a frequency of 8e-06 in 251216 control chromosomes. c.2216C>T has been reported in the literature as compound heterozygous genotypes in multiple well characterized and comprehensively genotyped individuals affected with Autosomal recessive polycystic kidney disease (example, Rossetti_2003, Krall_2014, Jayasinghe_2021, Domingo-Gallego_2022, Burgmaier_2021). These data indicate that the variant is likely to be associated with disease. To our knowledge, no experimental evidence demonstrating an impact on protein function has been reported. Three clinical diagnostic laboratories have submitted clinical-significance assessments for this variant to ClinVar after 2014 without evidence for independent evaluation. Based on the evidence outlined above, the variant was classified as likely pathogenic.

Molecular Biology Laboratory, Fundació Puigvert
Classification: Likely pathogenic for Polycystic kidney disease 4. Last evaluated: 2020-02-01. Review status: criteria provided, single submitter. Criteria: ACMG Guidelines, 2015. Collection method: research. Allele origin: paternal. Affected: yes. Study: KidneyPanel_2020.

Baylor Genetics
Classification: Likely pathogenic for Polycystic kidney disease 4. Review status: criteria provided, single submitter. Criteria: ACMG Guidelines, 2015. Collection method: clinical testing. Allele origin: germline.

Clinical Genetics Service, Universitary Hospital 12 de Octubre
Classification: Likely pathogenic for Polycystic kidney disease 4. Review status: criteria provided, single submitter. Criteria: ACMG Guidelines, 2015. Collection method: clinical testing. Allele origin: maternal. Affected: yes.

Juno Genomics, Hangzhou Juno Genomics, Inc
Classification: Pathogenic for Polycystic kidney disease 4. Review status: criteria provided, single submitter. Criteria: ACMG Guidelines, 2015. Collection method: clinical testing. Allele origin: germline. Affected: yes.
Comment: Absent from controls (or at extremely low frequency if recessive) in Genome Aggregation Database.;For recessive disorders, detected in trans with a pathogenic variant.;Patient's phenotype or family history is highly specific for a disease with a single genetic etiology.;Co-segregation with disease in multiple affected family members.

Counsyl
Classification: Uncertain significance for Polycystic kidney disease 4. Last evaluated: 2017-12-28. Review status: no assertion criteria provided. Collection method: clinical testing. Allele origin: unknown. Not counted in ClinVar's aggregate classification.

Literature cited by the submitters: PubMed 12846734 (cited by 6 submitters); PubMed 24162162 (cited by 6 submitters); PubMed 33532864 (cited by 6 submitters); PubMed 32939031 (cited by 3 submitters); PubMed 39891531 (cited by Myriad Genetics, Inc.); PubMed 33940108 (cited by Women's Health and Genetics/Laboratory Corporation of America, LabCorp).